The following is an entry in ClinVar:

NM_000350.3(ABCA4):c.5684T>C (p.Leu1895Pro)

Gene: ABCA4 (ATP binding cassette subfamily A member 4; minus strand). Cytogenetic location: 1p22.1.
Variant type: single nucleotide variant.
Coding change: c.5684T>C on transcript NM_000350.3 (MANE Select); coding-DNA position 5684, T replaced by C.
Protein change: p.Leu1895Pro; replaces leucine 1895 with proline.
Molecular consequence: missense variant.
Genome position (GRCh38, 1-based): chr1:94,010,830, A>G on the plus strand (T>C on the coding strand, the complement: ABCA4 is on the minus strand). VCF-style: chr1-94010830-A-G. GRCh37 (hg19) VCF-style: chr1-94476386-A-G.
Other names: c.5462T>C, p.Leu1821Pro (NM_001425324.1); short protein forms L1895P, L1821P.
Identifiers: ClinVar variation 1379438 (VCV001379438.6), dbSNP rs1265846081, ClinGen allele CA341280756.

ClinVar aggregate classification (germline): Uncertain significance (1 of 4 stars; one submission).

Allele frequency attached by ClinVar (database versions not stated): gnomAD 0.00001.
gnomAD v4.1: 1 of 1,614,016 alleles (0.000062%); highest among the groups gnomAD compares: African/African-American, 0.0013%; no homozygotes.

Submission:

Labcorp Genetics (formerly Invitae), Labcorp
Classification: Uncertain significance. Last evaluated: 2022-07-06. Review status: criteria provided, single submitter. Criteria: Invitae Variant Classification Sherloc (09022015). Collection method: clinical testing. Allele origin: germline.
Comment: Advanced modeling of protein sequence and biophysical properties (such as structural, functional, and spatial information, amino acid conservation, physicochemical variation, residue mobility, and thermodynamic stability) performed at Invitae indicates that this missense variant is expected to disrupt ABCA4 protein function. ClinVar contains an entry for this variant (Variation ID: 1379438). This variant has not been reported in the literature in individuals affected with ABCA4-related conditions. This variant is present in population databases (no rsID available, gnomAD 0.01%). This sequence change replaces leucine, which is neutral and non-polar, with proline, which is neutral and non-polar, at codon 1895 of the ABCA4 protein (p.Leu1895Pro). In summary, the available evidence is currently insufficient to determine the role of this variant in disease. Therefore, it has been classified as a Variant of Uncertain Significance.